The following is an entry in ClinVar:

NM_020975.6(RET):c.2136+3G>A

Gene: RET (ret proto-oncogene; plus strand). Cytogenetic location: 10q11.21.
Variant type: single nucleotide variant.
Coding change: c.2136+3G>A on transcript NM_020975.6 (MANE Select); 3 bases into the intron after coding-DNA position 2136, G replaced by A.
Molecular consequence: intron variant.
Genome position (GRCh38, 1-based): chr10:43,114,739, G>A. VCF-style: chr10-43114739-G-A. GRCh37 (hg19) VCF-style: chr10-43610187-G-A.
Other names: c.2136+3G>A (NM_020630.7, NM_001406743.1, NM_001406744.1 and 2 more transcripts); c.2001+3G>A (NM_001406765.1, NM_001406763.1); c.1740+3G>A (NM_001406772.1, NM_001406769.1); c.1698+3G>A (NM_001406773.1, NM_001406771.1); c.1239+3G>A (NM_001406782.1, NM_001406780.1, NM_001406779.1 and 1 more transcripts); c.1104+3G>A (NM_001406787.1); c.1119+3G>A (NM_001406785.1); c.2007+3G>A (NM_001406764.1, NM_001406762.1, NM_001406761.1); and 10 more.
Identifiers: ClinVar variation 4545737 (VCV004545737.1).
Genomic context (GRCh38, chr10:43,114,739, plus strand): 5'-CCGGCCCTCGCTGGACTCCATGGAGAACCAGGTCTCCGTGGATGCCTTCAAGATCCTGGT[G>A]AGGGTCCCTGCGGGGCAGGGAAGATCCCCTGCCCTCCCCAGCTGCCTTCCAGGGAGGGAG-3'

ClinVar aggregate classification (germline): Uncertain significance (1 of 4 stars; one submission).

Conditions:
Hereditary cancer-predisposing syndrome. Also called: Tumor predisposition; Hereditary Cancer Syndrome; Hereditary neoplastic syndrome; Neoplastic Syndromes, Hereditary. Identifiers: Orphanet 140162, MedGen C0027672, MeSH D009386, MONDO:0015356.

gnomAD v4.1: 1 of 1,607,774 alleles (0.000062%); highest among the groups gnomAD compares: South Asian, 0.0011%; no homozygotes.

Submission:

Ambry Genetics
Classification: Uncertain significance for Hereditary cancer-predisposing syndrome. Last evaluated: 2025-12-09. Review status: criteria provided, single submitter. Criteria: Ambry Variant Classification Scheme 2023. Collection method: clinical testing. Allele origin: germline.
Comment: The c.2136+3G>A intronic variant results from a G to A substitution 3 nucleotides after coding exon 11 in the RET gene. This nucleotide position is not well conserved in available vertebrate species. In silico splice site analysis predicts that this alteration will not have any significant effect on splicing. Based on the available evidence, the clinical significance of this variant remains unclear.